The following is an entry in ClinVar:

ClinVar aggregate classification (germline): Benign/Likely benign. Review status: criteria provided, multiple submitters, no conflicts (2 of 4 stars). 4 submissions from 4 submitters: Benign (2); Likely benign (1). 1 of the submissions does not count toward it. Last evaluated 2026-01-05.

Conditions:
RNF213-related disorder. Also called: RNF213-related condition.

Allele frequency attached by ClinVar (database versions not stated): 1000 Genomes Project 0.00200; 1000 Genomes Project 30x 0.00219; ESP Exome Variant Server 0.00223; TOPMed 0.00273; gnomAD 0.00310 and 0.00323; ExAC 0.00324; gnomAD exomes 0.00326 and 0.00355.
gnomAD v4.1: 5,324 of 1,614,130 alleles (0.33%); highest among the groups gnomAD compares: Middle Eastern, 0.71%; 24 homozygotes.

Submissions (4):

Labcorp Genetics (formerly Invitae), Labcorp
Classification: Benign. Last evaluated: 2026-01-05. Review status: criteria provided, single submitter. Criteria: Invitae Variant Classification Sherloc (09022015). Collection method: clinical testing. Allele origin: germline.

CeGaT Center for Human Genetics Tuebingen
Classification: Likely benign. Last evaluated: 2025-07-01. Review status: criteria provided, single submitter. Criteria: CeGaT Center For Human Genetics Tuebingen Variant Classification Criteria Version 2. Collection method: clinical testing. Allele origin: germline. Affected: yes. Observed: 4 variant alleles.
Comment: RNF213: BP4, BS2

Mayo Clinic Laboratories, Mayo Clinic
Classification: Benign. Last evaluated: 2024-08-02. Review status: criteria provided, single submitter. Criteria: ACMG Guidelines, 2015. Collection method: clinical testing. Allele origin: germline. Observed: 2 variant alleles.
Comment: BS1, BS2, BP4, BP7

PreventionGenetics, part of Exact Sciences
Classification: Likely benign for RNF213-related condition. Last evaluated: 2024-06-10. Review status: no assertion criteria provided. Collection method: clinical testing. Allele origin: germline. Not counted in ClinVar's aggregate classification.
Comment: This variant is classified as likely benign based on ACMG/AMP sequence variant interpretation guidelines (Richards et al. 2015 PMID: 25741868, with internal and published modifications).

NM_001256071.3(RNF213):c.11972+8C>T

Genes: RNF213 (ring finger protein 213; plus strand), RNF213-AS1 (RNF213 antisense RNA 1; minus strand). Cytogenetic location: 17q25.3.
Variant type: single nucleotide variant.
Coding change: c.11972+8C>T on transcript NM_001256071.3 (MANE Select); 8 bases into the intron after coding-DNA position 11972, C replaced by T.
Molecular consequence: intron variant.
Genome position (GRCh38, 1-based): chr17:80,367,856, C>T. VCF-style: chr17-80367856-C-T. GRCh37 (hg19) VCF-style: chr17-78341656-C-T.
Other names: p.?.
Identifiers: ClinVar variation 720707 (VCV000720707.34), dbSNP rs146754081, ClinGen allele CA8822036.